The following is an entry in ClinVar:

ClinVar aggregate classification (germline): Likely benign. Review status: criteria provided, multiple submitters, no conflicts (2 of 4 stars). 4 submissions from 4 submitters: Likely benign (3). 1 of the submissions does not count toward it. Last evaluated 2024-12-10.

Conditions:
ANKRD11-related disorder. Also called: ANKRD11-related condition.
KBG syndrome (KBGS). Also called: ANKRD11-Related KBG Syndrome. Identifiers: Orphanet 2332, MedGen C0220687, MONDO:0007846, OMIM 148050.

Allele frequency attached by ClinVar (database versions not stated): TOPMed 0.00002; gnomAD 0.00003 and 0.00004; gnomAD exomes 0.00006; 1000 Genomes Project 30x 0.00016; ExAC 0.00016.
gnomAD v4.1: 100 of 1,524,038 alleles (0.0066%); highest among the groups gnomAD compares: Non-Finnish European, 0.0081%; no homozygotes.

Submissions (4):

Labcorp Genetics (formerly Invitae), Labcorp
Classification: Likely benign for KBG syndrome. Last evaluated: 2024-12-10. Review status: criteria provided, single submitter. Criteria: Invitae Variant Classification Sherloc (09022015). Collection method: clinical testing. Allele origin: germline.

Blueprint Genetics
Classification: Likely benign. Last evaluated: 2024-07-25. Review status: criteria provided, single submitter. Criteria: ACMG Guidelines, 2015. Collection method: clinical testing. Allele origin: germline.

Athena Diagnostics
Classification: Likely benign. Last evaluated: 2017-11-14. Review status: criteria provided, single submitter. Criteria: Athena Diagnostics Criteria. Collection method: clinical testing. Allele origin: germline.

PreventionGenetics, part of Exact Sciences
Classification: Likely benign for ANKRD11-related condition. Last evaluated: 2021-05-19. Review status: no assertion criteria provided. Collection method: clinical testing. Allele origin: germline. Not counted in ClinVar's aggregate classification.
Comment: This variant is classified as likely benign based on ACMG/AMP sequence variant interpretation guidelines (Richards et al. 2015 PMID: 25741868, with internal and published modifications).

NM_013275.6(ANKRD11):c.6792C>T (p.Pro2264=)

Gene: ANKRD11 (ankyrin repeat domain 11; minus strand). Cytogenetic location: 16q24.3.
Variant type: single nucleotide variant.
Coding change: c.6792C>T on transcript NM_013275.6 (MANE Select); coding-DNA position 6792, C replaced by T.
Protein change: p.Pro2264=; no amino-acid change (proline 2264 retained).
Molecular consequence: synonymous variant.
Genome position (GRCh38, 1-based): chr16:89,279,750, G>A on the plus strand (C>T on the coding strand, the complement: ANKRD11 is on the minus strand). VCF-style: chr16-89279750-G-A. GRCh37 (hg19) VCF-style: chr16-89346158-G-A.
Other names: c.6792C>T, p.Pro2264= (NM_001256182.2, NM_001256183.2).
Identifiers: ClinVar variation 585425 (VCV000585425.13), dbSNP rs778726288, ClinGen allele CA8241334.